The following is an entry in ClinVar:

ClinVar aggregate classification (germline): Benign. Review status: criteria provided, single submitter (1 of 4 stars). 2 submissions from 2 submitters: Benign (1). 1 of the submissions does not count toward it. Last evaluated 2020-12-01.

Conditions:
PTGIS-related disorder. Also called: PTGIS-related condition.

Submissions (2):

GeneDx
Classification: Benign. Last evaluated: 2020-12-01. Review status: criteria provided, single submitter. Criteria: GeneDx Variant Classification Process June 2021. Collection method: clinical testing. Allele origin: germline. Affected: yes.

PreventionGenetics, part of Exact Sciences
Classification: Benign for PTGIS-related condition. Last evaluated: 2019-11-20. Review status: no assertion criteria provided. Collection method: clinical testing. Allele origin: germline. Not counted in ClinVar's aggregate classification.
Comment: This variant is classified as benign based on ACMG/AMP sequence variant interpretation guidelines (Richards et al. 2015 PMID: 25741868, with internal and published modifications).

NM_000961.3(PTGIS):c.-19_-2dup18

Gene: PTGIS (prostaglandin I2 synthase; minus strand). Cytogenetic location: 20q13.13.
Variant type: Microsatellite.
Coding change: c.-19_-2dup18 on transcript NM_000961.3; 19 bases upstream of the start codon through 2 bases upstream of the start codon, 18 bases duplicated (CAGCCCCGCCAGCCCCGC).
Genome position (GRCh38, 1-based): chr20:49,568,118-49,568,135, GCGGGGCTGGCGGGGCTG duplicated on the plus strand (CAGCCCCGCCAGCCCCGC on the coding strand, the reverse complement: PTGIS is on the minus strand); duplicating any 18 consecutive bases within chr20:49,568,118-49,568,157 gives the same sequence; the c. name uses the placement nearest the transcript's 3' end. VCF-style (leftmost placement, unchanged base first): chr20-49568117-C-CGCGGGGCTGGCGGGGCTG. GRCh37 (hg19) VCF-style: chr20-48184654-C-CGCGGGGCTGGCGGGGCTG.
Identifiers: ClinVar variation 1181517 (VCV001181517.5), dbSNP rs773006734, ClinGen allele CA9903780.